The following is an entry in ClinVar:

ClinVar aggregate classification (germline): Uncertain significance. Review status: criteria provided, multiple submitters, no conflicts (2 of 4 stars). 2 submissions from 2 submitters: Uncertain significance (2). Last evaluated 2025-02-21.

Conditions:
POLD1-related polyposis and colorectal cancer syndrome (CRCS10). Also called: Colorectal cancer 10; COLORECTAL CANCER, SUSCEPTIBILITY TO, ON CHROMOSOME 19q; Colorectal cancer, susceptibility to, 10. Identifiers: Orphanet 220460, MedGen C2675481, MONDO:0012953, OMIM 612591.
Hereditary cancer-predisposing syndrome. Also called: Neoplastic Syndromes, Hereditary; Tumor predisposition; Hereditary Cancer Syndrome; Hereditary neoplastic syndrome. Identifiers: Orphanet 140162, MedGen C0027672, MeSH D009386, MONDO:0015356.

Submissions (2):

Ambry Genetics
Classification: Uncertain significance for Hereditary cancer-predisposing syndrome. Last evaluated: 2025-02-21. Review status: criteria provided, single submitter. Criteria: Ambry Variant Classification Scheme 2023. Collection method: clinical testing. Allele origin: germline.
Comment: The p.R166G variant (also known as c.496C>G), located in coding exon 4 of the POLD1 gene, results from a C to G substitution at nucleotide position 496. The arginine at codon 166 is replaced by glycine, an amino acid with dissimilar properties. This amino acid position is conserved. In addition, this alteration is predicted to be tolerated by in silico analysis. Based on the available evidence, the clinical significance of this variant remains unclear.

Labcorp Genetics (formerly Invitae), Labcorp
Classification: Uncertain significance for POLD1-related polyposis and colorectal cancer syndrome. Last evaluated: 2024-10-11. Review status: criteria provided, single submitter. Criteria: Invitae Variant Classification Sherloc (09022015). Collection method: clinical testing. Allele origin: germline.
Comment: This sequence change replaces arginine, which is basic and polar, with glycine, which is neutral and non-polar, at codon 166 of the POLD1 protein (p.Arg166Gly). This variant is not present in population databases (gnomAD no frequency). This variant has not been reported in the literature in individuals affected with POLD1-related conditions. Invitae Evidence Modeling of protein sequence and biophysical properties (such as structural, functional, and spatial information, amino acid conservation, physicochemical variation, residue mobility, and thermodynamic stability) indicates that this missense variant is not expected to disrupt POLD1 protein function with a negative predictive value of 80%. In summary, the available evidence is currently insufficient to determine the role of this variant in disease. Therefore, it has been classified as a Variant of Uncertain Significance.

NM_002691.4(POLD1):c.496C>G (p.Arg166Gly)

Gene: POLD1 (DNA polymerase delta 1, catalytic subunit; plus strand). Cytogenetic location: 19q13.33.
Variant type: single nucleotide variant.
Coding change: c.496C>G on transcript NM_002691.4 (MANE Select); coding-DNA position 496, C replaced by G.
Protein change: p.Arg166Gly; replaces arginine 166 with glycine.
Molecular consequence: missense variant. On other transcripts: non-coding transcript variant (1).
Genome position (GRCh38, 1-based): chr19:50,402,031, C>G. VCF-style: chr19-50402031-C-G. GRCh37 (hg19) VCF-style: chr19-50905288-C-G.
Other names: c.496C>G (NM_002691.2); c.496C>G, p.Arg166Gly (NM_001256849.1, NM_001308632.1); short protein forms R166G.
Identifiers: ClinVar variation 2836510 (VCV002836510.4), dbSNP rs376236497, ClinGen allele CA406973020.